The following is an entry in ClinVar:

NM_014017.4(LAMTOR2):c.173G>A (p.Arg58Gln)

Genes: LAMTOR2 (late endosomal/lysosomal adaptor, MAPK and MTOR activator 2; plus strand), LOC129931594 (ATAC-STARR-seq lymphoblastoid active region 1836; plus strand). Cytogenetic location: 1q22.
Variant type: single nucleotide variant.
Coding change: c.173G>A on transcript NM_014017.4 (MANE Select); coding-DNA position 173, G replaced by A.
Protein change: p.Arg58Gln; replaces arginine 58 with glutamine.
Molecular consequence: missense variant.
Genome position (GRCh38, 1-based): chr1:156,055,367, G>A. VCF-style: chr1-156055367-G-A. GRCh37 (hg19) VCF-style: chr1-156025158-G-A.
Other names: c.173G>A, p.Arg58Gln (NM_001145264.2); short protein forms R58Q.
Identifiers: ClinVar variation 4692463 (VCV004692463.1).

ClinVar aggregate classification (germline): Uncertain significance (1 of 4 stars; one submission).

gnomAD v4.1: 12 of 1,614,234 alleles (0.00074%); highest among the groups gnomAD compares: South Asian, 0.012%; no homozygotes.

Submission:

Labcorp Genetics (formerly Invitae), Labcorp
Classification: Uncertain significance. Last evaluated: 2025-03-11. Review status: criteria provided, single submitter. Criteria: Invitae Variant Classification Sherloc (09022015). Collection method: clinical testing. Allele origin: germline.
Comment: This sequence change replaces arginine, which is basic and polar, with glutamine, which is neutral and polar, at codon 58 of the LAMTOR2 protein (p.Arg58Gln). This variant is present in population databases (rs769471045, gnomAD 0.02%). This variant has not been reported in the literature in individuals affected with LAMTOR2-related conditions. An algorithm developed to predict the effect of missense changes on protein structure and function (PolyPhen-2) suggests that this variant is likely to be tolerated. In summary, the available evidence is currently insufficient to determine the role of this variant in disease. Therefore, it has been classified as a Variant of Uncertain Significance.